The following is an entry in ClinVar:

NM_001042492.3(NF1):c.3205del (p.Asp1069fs)

Gene: NF1 (neurofibromin 1; plus strand). Cytogenetic location: 17q11.2.
Variant type: Deletion.
Coding change: c.3205del on transcript NM_001042492.3 (MANE Select); coding-DNA position 3205, one base deleted (G; older notation c.3205delG).
Protein change: p.Asp1069fs; shifts the reading frame from aspartic acid 1069.
Molecular consequence: frameshift variant.
Genome position (GRCh38, 1-based): chr17:31,232,080, G deleted; the last of 2 consecutive G bases (chr17:31,232,079-31,232,080); deleting either gives the same sequence. VCF-style (leftmost placement, unchanged base first): chr17-31232078-TG-T. GRCh37 (hg19) VCF-style: chr17-29559096-TG-T.
Other names: c.3205delG, p.Asp1069Thrfs (NM_000267.4); short protein forms D1069fs.
Identifiers: ClinVar variation 2699145 (VCV002699145.3), dbSNP rs2508223334, ClinGen allele CA2697559783.

ClinVar aggregate classification (germline): Pathogenic (1 of 4 stars; one submission).

Conditions:
Neurofibromatosis, type 1 (NF1). Also called: Peripheral type neurofibromatosis; VON RECKLINGHAUSEN DISEASE; Neurofibromatosis, type I; NEUROFIBROMATOSIS, TYPE I, SOMATIC. Identifiers: Orphanet 636, MedGen C0027831, MONDO:0018975, OMIM 162200. Disease mechanism: loss of function.

Submission:

Labcorp Genetics (formerly Invitae), Labcorp
Classification: Pathogenic for Neurofibromatosis, type 1. Last evaluated: 2023-06-09. Review status: criteria provided, single submitter. Criteria: Invitae Variant Classification Sherloc (09022015). Collection method: clinical testing. Allele origin: germline.
Comment: For these reasons, this variant has been classified as Pathogenic. This sequence change creates a premature translational stop signal (p.Asp1069Thrfs*8) in the NF1 gene. It is expected to result in an absent or disrupted protein product. Loss-of-function variants in NF1 are known to be pathogenic (PMID: 10712197, 23913538). This variant is not present in population databases (gnomAD no frequency). This variant has not been reported in the literature in individuals affected with NF1-related conditions.

Literature cited by the submitters: PubMed 10712197; PubMed 23913538.